The following is an entry in ClinVar:

NM_001127222.2(CACNA1A):c.6488_6489del (p.Ala2162_Ser2163insTer)

Gene: CACNA1A (calcium voltage-gated channel subunit alpha1 A; minus strand). Cytogenetic location: 19p13.13.
Variant type: Microsatellite.
Coding change: c.6488_6489del on transcript NM_001127222.2 (MANE Select); coding-DNA positions 6488 to 6489, 2 bases deleted (CT; older notation c.6488_6489delCT).
Protein change: p.Ala2162_Ser2163insTer.
Molecular consequence: nonsense.
Genome position (GRCh38, 1-based): chr19:13,209,349-13,209,350, AG deleted on the plus strand (CT on the coding strand, the reverse complement: CACNA1A is on the minus strand); deleting any 2 consecutive bases within chr19:13,209,349-13,209,352 gives the same sequence; the c. name uses the placement nearest the transcript's 3' end. VCF-style (leftmost placement, unchanged base first): chr19-13209348-CAG-C. GRCh37 (hg19) VCF-style: chr19-13320162-CAG-C.
Other names: c.6506_6507del, p.Ala2168_Ser2169insTer (NM_000068.4, NM_023035.3); c.6491_6492del, p.Ala2163_Ser2164insTer (NM_001127221.2); c.6497_6498del, p.Ala2165_Ser2166insTer (NM_001174080.2).
Identifiers: ClinVar variation 2922252 (VCV002922252.3), dbSNP rs2512520111, ClinGen allele CA2740091918.

ClinVar aggregate classification (germline): Pathogenic (1 of 4 stars; one submission).

Conditions:
Developmental and epileptic encephalopathy, 42 (DEE42A). Also called: DEVELOPMENTAL AND EPILEPTIC ENCEPHALOPATHY 42A; EPILEPTIC ENCEPHALOPATHY, EARLY INFANTILE, 42A; Epileptic encephalopathy, early infantile, 42. Identifiers: MedGen C4310716, MONDO:0014917, OMIM 617106.
Episodic ataxia type 2 (EA2). Also called: ACETAZOLAMIDE-RESPONSIVE HEREDITARY PAROXYSMAL CEREBELLAR ATAXIA; ATAXIA, EPISODIC, WITH NYSTAGMUS; ATAXIA, FAMILIAL PAROXYSMAL; CEREBELLAR ATAXIA, PAROXYSMAL, ACETAZOLAMIDE-RESPONSIVE; CEREBELLOPATHY, HEREDITARY PAROXYSMAL; EPISODIC ATAXIA, NYSTAGMUS-ASSOCIATED. Identifiers: Orphanet 97, MedGen C1720416, MONDO:0007163, OMIM 108500.

Submission:

Labcorp Genetics (formerly Invitae), Labcorp
Classification: Pathogenic for Developmental and epileptic encephalopathy, 42; Episodic ataxia type 2. Last evaluated: 2024-01-17. Review status: criteria provided, single submitter. Criteria: Invitae Variant Classification Sherloc (09022015). Collection method: clinical testing. Allele origin: germline.
Comment: This sequence change creates a premature translational stop signal (p.Ser2164*) in the CACNA1A gene. It is expected to result in an absent or disrupted protein product. Loss-of-function variants in CACNA1A are known to be pathogenic (PMID: 10371528, 19486177, 25735478, 27250579). This variant is not present in population databases (gnomAD no frequency). This variant has not been reported in the literature in individuals affected with CACNA1A-related conditions. For these reasons, this variant has been classified as Pathogenic.

Literature cited by the submitters: PubMed 10371528; PubMed 19486177; PubMed 25735478; PubMed 27250579.